The following is an entry in ClinVar:

NM_001903.5(CTNNA1):c.1216G>A (p.Glu406Lys)

Gene: CTNNA1 (catenin alpha 1; plus strand). Cytogenetic location: 5q31.2.
Variant type: single nucleotide variant.
Coding change: c.1216G>A on transcript NM_001903.5 (MANE Select); coding-DNA position 1216, G replaced by A.
Protein change: p.Glu406Lys; replaces glutamic acid 406 with lysine.
Molecular consequence: missense variant. On other transcripts: 5 prime UTR variant (5), intron variant (2).
Genome position (GRCh38, 1-based): chr5:138,887,562, G>A. VCF-style: chr5-138887562-G-A. GRCh37 (hg19) VCF-style: chr5-138223251-G-A.
Other names: c.1216G>A, p.Glu406Lys (NM_001290307.3, NM_001323982.2, NM_001323983.1 and 3 more transcripts); c.907G>A, p.Glu303Lys (NM_001290309.3); c.847G>A, p.Glu283Lys (NM_001290310.3); c.106G>A, p.Glu36Lys (NM_001290312.1, NM_001323987.1, NM_001323988.1 and 18 more transcripts); c.-292G>A (NM_001324006.1, NM_001324007.1, NM_001324008.1 and 1 more transcripts); c.-167G>A (NM_001324013.1); c.-58+11965G>A (NM_001324012.1); c.-61+11965G>A (NM_001324010.1); short protein forms E283K, E303K, E36K, E406K.
Identifiers: ClinVar variation 3221872 (VCV003221872.1), dbSNP rs2150032500, ClinGen allele CA361133089.
Genomic context (GRCh38, chr5:138,887,562, plus strand): 5'-GTCATGGACCACGTTTCAGATTCTTTCCTGGAAACCAATGTTCCACTTTTGGTATTGATT[G>A]AAGCTGCAAAGAATGGAAATGAGAAAGAAGTTAAGGAGTATGCCCAAGTTTTCCGTGAAC-3'
Protein context (NP_001894.2, residues 396-416): ETNVPLLVLI[Glu406Lys]AAKNGNEKEV

ClinVar aggregate classification (germline): Uncertain significance (1 of 4 stars; one submission).

Conditions:
Hereditary cancer-predisposing syndrome. Also called: Tumor predisposition; Hereditary neoplastic syndrome; Hereditary Cancer Syndrome; Neoplastic Syndromes, Hereditary. Identifiers: Orphanet 140162, MedGen C0027672, MeSH D009386, MONDO:0015356.

Submission:

Ambry Genetics
Classification: Uncertain significance for Hereditary cancer-predisposing syndrome. Last evaluated: 2024-02-05. Review status: criteria provided, single submitter. Criteria: Ambry Variant Classification Scheme 2023. Collection method: clinical testing. Allele origin: germline.
Comment: The p.E406K variant (also known as c.1216G>A), located in coding exon 8 of the CTNNA1 gene, results from a G to A substitution at nucleotide position 1216. The glutamic acid at codon 406 is replaced by lysine, an amino acid with similar properties. This amino acid position is conserved. In addition, the in silico prediction for this alteration is inconclusive. Based on the available evidence, the clinical significance of this alteration remains unclear.